The following is an entry in ClinVar:

NM_178857.6(RP1L1):c.2585G>T (p.Cys862Phe)

Gene: RP1L1 (RP1 like 1). Cytogenetic location: 8p23.1.
Variant type: single nucleotide variant.
Coding change: c.2585G>T on transcript NM_178857.6 (MANE Select); coding-DNA position 2585, G replaced by T.
Protein change: p.Cys862Phe; replaces cysteine 862 with phenylalanine.
Molecular consequence: missense variant.
Genome position (GRCh38, 1-based): chr8:10,611,513, C>A on the plus strand (G>T on the coding strand, the complement: RP1L1 is on the minus strand). VCF-style: chr8-10611513-C-A. GRCh37 (hg19) VCF-style: chr8-10469023-C-A.
Other names: short protein forms C862F.
Identifiers: ClinVar variation 3025610 (VCV003025610.22), dbSNP rs1214366662, ClinGen allele CA370290555.

ClinVar aggregate classification (germline): Uncertain significance (1 of 4 stars; one submission).

Allele frequency attached by ClinVar (database versions not stated): TOPMed 0.00001.
gnomAD v4.1: 11 of 1,578,502 alleles (0.0007%); highest among the groups gnomAD compares: Non-Finnish European, 0.00095%; no homozygotes.

Submission:

CeGaT Center for Human Genetics Tuebingen
Classification: Uncertain significance. Last evaluated: 2024-01-01. Review status: criteria provided, single submitter. Criteria: CeGaT Center For Human Genetics Tuebingen Variant Classification Criteria Version 2. Collection method: clinical testing. Allele origin: germline. Affected: yes. Observed: 1 variant allele.
Comment: RP1L1: PM2, BP4